The following is an entry in ClinVar:

NM_002439.5(MSH3):c.2540G>A (p.Cys847Tyr)

Gene: MSH3 (mutS homolog 3; plus strand). Cytogenetic location: 5q14.1.
Variant type: single nucleotide variant.
Coding change: c.2540G>A on transcript NM_002439.5 (MANE Select); coding-DNA position 2540, G replaced by A.
Protein change: p.Cys847Tyr; replaces cysteine 847 with tyrosine.
Molecular consequence: missense variant.
Genome position (GRCh38, 1-based): chr5:80,787,669, G>A. VCF-style: chr5-80787669-G-A. GRCh37 (hg19) VCF-style: chr5-80083488-G-A.
Other names: short protein forms C847Y.
Identifiers: ClinVar variation 3398745 (VCV003398745.1).
Genomic context (GRCh38, chr5:80,787,669, plus strand): 5'-ACCTAGCAACTGTTGACTGCATTTTCTCCCTGGCCAAGGTCGCTAAGCAAGGAGATTACT[G>A]CAGGTAAGATATTTTTCATTTTCCTCTTTATCAGTGCTTTAGATAAGATGACATTATTCA-3'
Protein context (NP_002430.3, residues 837-857): LAKVAKQGDY[Cys847Tyr]RPTVQEERKI

ClinVar aggregate classification (germline): Uncertain significance (1 of 4 stars; one submission).

Conditions:
Hereditary cancer-predisposing syndrome. Also called: Hereditary Cancer Syndrome; Tumor predisposition; Hereditary neoplastic syndrome; Neoplastic Syndromes, Hereditary. Identifiers: Orphanet 140162, MedGen C0027672, MeSH D009386, MONDO:0015356.

gnomAD v4.1: 1 of 1,606,746 alleles (0.000062%); highest among the groups gnomAD compares: Non-Finnish European, 0.000085%; no homozygotes.

Submission:

Ambry Genetics
Classification: Uncertain significance for Hereditary cancer-predisposing syndrome. Last evaluated: 2024-10-17. Review status: criteria provided, single submitter. Criteria: Ambry Variant Classification Scheme 2023. Collection method: clinical testing. Allele origin: germline.
Comment: The p.C847Y variant (also known as c.2540G>A), located in coding exon 18 of the MSH3 gene, results from a G to A substitution at nucleotide position 2540. The cysteine at codon 847 is replaced by tyrosine, an amino acid with highly dissimilar properties. This amino acid position is conserved. In addition, this alteration is predicted to be deleterious by in silico analysis. Based on the available evidence, the clinical significance of this variant remains unclear.